The following is an entry in ClinVar:

NM_001330260.2(SCN8A):c.2042T>C (p.Leu681Pro)

Gene: SCN8A (sodium voltage-gated channel alpha subunit 8; plus strand). Cytogenetic location: 12q13.13.
Variant type: single nucleotide variant.
Coding change: c.2042T>C on transcript NM_001330260.2 (MANE Select); coding-DNA position 2042, T replaced by C.
Protein change: p.Leu681Pro; replaces leucine 681 with proline.
Molecular consequence: missense variant.
Genome position (GRCh38, 1-based): chr12:51,745,946, T>C. VCF-style: chr12-51745946-T-C. GRCh37 (hg19) VCF-style: chr12-52139730-T-C.
Other names: c.2042T>C, p.Leu681Pro (NM_001177984.3, NM_001369788.1, NM_014191.4); short protein forms L681P.
Identifiers: ClinVar variation 3717457 (VCV003717457.2).

ClinVar aggregate classification (germline): Uncertain significance (1 of 4 stars; one submission).

Conditions:
Early-infantile DEE. Also called: Ohtahara syndrome; Early infantile epileptic encephalopathy with suppression bursts; Early infantile epileptic encephalopathy. Identifiers: Orphanet 1934, MedGen C0393706, MONDO:0800491.

Submission:

Labcorp Genetics (formerly Invitae), Labcorp
Classification: Uncertain significance for Early-infantile DEE. Last evaluated: 2024-02-06. Review status: criteria provided, single submitter. Criteria: Invitae Variant Classification Sherloc (09022015). Collection method: clinical testing. Allele origin: germline.
Comment: This sequence change replaces leucine, which is neutral and non-polar, with proline, which is neutral and non-polar, at codon 681 of the SCN8A protein (p.Leu681Pro). This variant is not present in population databases (gnomAD no frequency). This variant has not been reported in the literature in individuals affected with SCN8A-related conditions. Advanced modeling of protein sequence and biophysical properties (such as structural, functional, and spatial information, amino acid conservation, physicochemical variation, residue mobility, and thermodynamic stability) performed at Invitae indicates that this missense variant is not expected to disrupt SCN8A protein function with a negative predictive value of 95%. In summary, the available evidence is currently insufficient to determine the role of this variant in disease. Therefore, it has been classified as a Variant of Uncertain Significance.